The following is an entry in ClinVar:

ClinVar aggregate classification (germline): Conflicting classifications of pathogenicity. Review status: criteria provided, conflicting classifications (1 of 4 stars). 3 submissions from 3 submitters: Uncertain significance (2); Likely benign (1). Last evaluated 2026-07-06.

Conditions:
Hereditary cancer-predisposing syndrome. Also called: Tumor predisposition; Neoplastic Syndromes, Hereditary; Hereditary Cancer Syndrome; Hereditary neoplastic syndrome. Identifiers: Orphanet 140162, MedGen C0027672, MeSH D009386, MONDO:0015356.
Rhabdoid tumor predisposition syndrome 2 (RTPS2). Identifiers: Orphanet 231108, Orphanet 69077, MedGen C2750074, MONDO:0013224, OMIM 613325.

Allele frequency attached by ClinVar (database versions not stated): TOPMed below 0.00001; ExAC 0.00003; gnomAD exomes 0.00001; gnomAD 0.00001.
gnomAD v4.1: 8 of 1,613,118 alleles (0.0005%); highest among the groups gnomAD compares: East Asian, 0.0045%; no homozygotes.

Submissions (3):

Myriad Genetics, Inc.
Classification: Likely benign for Rhabdoid tumor predisposition syndrome 2. Last evaluated: 2026-07-06. Review status: criteria provided, single submitter. Criteria: Myriad Autosomal Dominant, Autosomal Recessive and X-Linked Classification Criteria (2023). Collection method: clinical testing. Allele origin: unknown.
Comment: This variant is considered likely benign. This variant has been observed at a population frequency that is significantly greater than expected given the associated disease prevalence and penetrance.

Ambry Genetics
Classification: Uncertain significance for Hereditary cancer-predisposing syndrome. Last evaluated: 2025-08-06. Review status: criteria provided, single submitter. Criteria: Ambry Variant Classification Scheme 2023. Collection method: clinical testing. Allele origin: germline.
Comment: The p.R167Q variant (also known as c.500G>A), located in coding exon 3 of the SMARCA4 gene, results from a G to A substitution at nucleotide position 500. The arginine at codon 167 is replaced by glutamine, an amino acid with highly similar properties. This amino acid position is well conserved in available vertebrate species. In addition, the in silico prediction for this alteration is inconclusive. Based on the available evidence, the clinical significance of this variant remains unclear.

Labcorp Genetics (formerly Invitae), Labcorp
Classification: Uncertain significance for Rhabdoid tumor predisposition syndrome 2. Last evaluated: 2025-01-11. Review status: criteria provided, single submitter. Criteria: Invitae Variant Classification Sherloc (09022015). Collection method: clinical testing. Allele origin: germline.
Comment: This sequence change replaces arginine, which is basic and polar, with glutamine, which is neutral and polar, at codon 167 of the SMARCA4 protein (p.Arg167Gln). The frequency data for this variant in the population databases is considered unreliable, as metrics indicate poor data quality at this position in the gnomAD database. This variant has not been reported in the literature in individuals affected with SMARCA4-related conditions. ClinVar contains an entry for this variant (Variation ID: 537764). Invitae Evidence Modeling of protein sequence and biophysical properties (such as structural, functional, and spatial information, amino acid conservation, physicochemical variation, residue mobility, and thermodynamic stability) indicates that this missense variant is not expected to disrupt SMARCA4 protein function with a negative predictive value of 95%. In summary, the available evidence is currently insufficient to determine the role of this variant in disease. Therefore, it has been classified as a Variant of Uncertain Significance.

NM_003072.5(SMARCA4):c.500G>A (p.Arg167Gln)

Gene: SMARCA4 (SWI/SNF related BAF chromatin remodeling complex subunit ATPase 4; plus strand). Cytogenetic location: 19p13.2.
Variant type: single nucleotide variant.
Coding change: c.500G>A on transcript NM_003072.5 (MANE Select); coding-DNA position 500, G replaced by A.
Protein change: p.Arg167Gln; replaces arginine 167 with glutamine.
Molecular consequence: missense variant. On other transcripts: non-coding transcript variant (1).
Genome position (GRCh38, 1-based): chr19:10,986,333, G>A. VCF-style: chr19-10986333-G-A. GRCh37 (hg19) VCF-style: chr19-11097009-G-A.
Other names: c.500G>A, p.Arg167Gln (NM_001128844.3, NM_001128845.2, NM_001128846.2 and 5 more transcripts); short protein forms R167Q.
Identifiers: ClinVar variation 537764 (VCV000537764.9), dbSNP rs748340475, ClinGen allele CA9203518.
Genomic context (GRCh38, chr19:10,986,333, plus strand): 5'-CCGGGCCAGGAGGTGCCCCGCTGGATGGTGCTGACCCCCAGGCCTTGGGGCAGCAGAACC[G>A]GGGCCCAACCCCATTTAACCAGAACCAGCTGCACCAGCTCAGAGCTCAGATCATGGCCTA-3'
Protein context (NP_003063.2, residues 157-177): ADPQALGQQN[Arg167Gln]GPTPFNQNQL